The following is an entry in ClinVar:

ClinVar aggregate classification (germline): Likely benign. Review status: reviewed by expert panel (3 of 4 stars). 5 submissions from 5 submitters: Likely benign (1). 4 of the submissions do not count toward it. Last evaluated 2017-06-29.

Conditions:
Hereditary breast ovarian cancer syndrome. Also called: Breast and ovarian cancer; Hereditary breast and ovarian cancer; Hereditary breast and ovarian cancer syndrome; Hereditary breast and/or ovarian cancer syndrome; BRCA1- and BRCA2-Associated Hereditary Breast and Ovarian Cancer; Hereditary breast and ovarian cancer syndrome (HBOC). Identifiers: Orphanet 145, MedGen C0677776, MeSH D061325, MONDO:0003582. Disease mechanism: loss of function.
Hereditary cancer-predisposing syndrome. Also called: Tumor predisposition; Hereditary Cancer Syndrome; Neoplastic Syndromes, Hereditary; Hereditary neoplastic syndrome. Identifiers: Orphanet 140162, MedGen C0027672, MeSH D009386, MONDO:0015356.
Breast-ovarian cancer, familial, susceptibility to, 1 (BROVCA1). Also called: BRCA1 Hereditary Breast and Ovarian Cancer; OVARIAN CANCER, SUSCEPTIBILITY TO. Identifiers: Orphanet 145, MedGen C2676676, MONDO:0011450, OMIM 604370. Disease mechanism: loss of function.

Allele frequency attached by ClinVar (database versions not stated): gnomAD exomes below 0.00001; TOPMed below 0.00001.
gnomAD v4.1: 1 of 1,614,028 alleles (0.000062%); highest among the groups gnomAD compares: Non-Finnish European, 0.000085%; no homozygotes.

Submissions (5):

Evidence-based Network for the Interpretation of Germline Mutant Alleles (ENIGMA)
Classification: Likely benign for Breast-ovarian cancer, familial, susceptibility to, 1. Last evaluated: 2017-06-29. Review status: reviewed by expert panel. Criteria: ENIGMA BRCA1/2 Classification Criteria (2017-06-29). Collection method: curation. Allele origin: germline.
Comment: Synonymous substitution variant, with low bioinformatic likelihood to result in a splicing aberration (Splicing prior probability 0.02).

Labcorp Genetics (formerly Invitae), Labcorp
Classification: Likely benign for Hereditary breast ovarian cancer syndrome. Last evaluated: 2025-11-17. Review status: criteria provided, single submitter. Criteria: Invitae Variant Classification Sherloc (09022015). Collection method: clinical testing. Allele origin: germline. Not counted in ClinVar's aggregate classification.

All of Us Research Program, National Institutes of Health
Classification: Likely benign for Breast-ovarian cancer, familial, susceptibility to, 1. Last evaluated: 2023-09-17. Review status: criteria provided, single submitter. Criteria: ACMG Guidelines, 2015. Collection method: clinical testing. Allele origin: germline. Inheritance: Autosomal dominant inheritance. Observed: 1 variant allele, 1 heterozygote. Not counted in ClinVar's aggregate classification.
Comment: This study involves interpretation of variants in research participants for the purpose of population health screening. Participant phenotype was not available at the time of variant classification. Additional details can be found in publication PMID: 35346344, PMCID: PMC8962531

Color Diagnostics, LLC DBA Color Health
Classification: Likely benign for Hereditary cancer-predisposing syndrome. Last evaluated: 2018-04-03. Review status: criteria provided, single submitter. Criteria: ACMG Guidelines, 2015. Collection method: clinical testing. Allele origin: germline. Not counted in ClinVar's aggregate classification.

Ambry Genetics
Classification: Likely benign for Hereditary cancer-predisposing syndrome. Last evaluated: 2015-02-10. Review status: criteria provided, single submitter. Criteria: Ambry Variant Classification Scheme 2023. Collection method: clinical testing. Allele origin: germline. Not counted in ClinVar's aggregate classification.

NM_007294.4(BRCA1):c.2316A>C (p.Val772=)

Gene: BRCA1 (BRCA1 DNA repair associated; minus strand). Cytogenetic location: 17q21.31.
Variant type: single nucleotide variant.
Coding change: c.2316A>C on transcript NM_007294.4 (MANE Select); coding-DNA position 2316, A replaced by C.
Protein change: p.Val772=; no amino-acid change (valine 772 retained).
Molecular consequence: synonymous variant. On other transcripts: intron variant (137).
Genome position (GRCh38, 1-based): chr17:43,093,215, T>G on the plus strand (A>C on the coding strand, the complement: BRCA1 is on the minus strand). VCF-style: chr17-43093215-T-G. GRCh37 (hg19) VCF-style: chr17-41245232-T-G.
Other names: c.2316A>C, p.Val772= (NM_001407684.1, NM_001407854.1, NM_001407858.1 and 30 more transcripts); c.2190A>C, p.Val730= (NM_001407685.1, NM_001407686.1, NM_001407687.1 and 11 more transcripts); c.2175A>C, p.Val725= (NM_001407692.1, NM_001407694.1, NM_001407695.1 and 29 more transcripts); c.2172A>C, p.Val724= (NM_001407740.1, NM_001407741.1, NM_001407742.1 and 20 more transcripts); c.2103A>C, p.Val701= (NM_001407853.1, NM_001407894.1, NM_001407895.1 and 9 more transcripts); c.2313A>C, p.Val771= (NM_001407860.1, NM_001407861.1, NM_001407587.1 and 22 more transcripts); c.2115A>C, p.Val705= (NM_001407862.1); c.2193A>C, p.Val731= (NM_001407863.1, NM_001407919.1, NM_001407937.1 and 19 more transcripts); and 41 more.
Identifiers: ClinVar variation 230479 (VCV000230479.22), dbSNP rs876658590, ClinGen allele CA10580622.
Genomic context (GRCh38, chr17:43,093,215, plus strand): 5'-CCCTAGAGTGCTAACTTCCAGTAACGAGATACTTTCCTGAGTGCCATAATCAGTACCAGG[T>G]ACCAATGAAATACTGCTACTCTCTACAGATCTTTCAGTTTGCAAAACCCTTTCTCCACTT-3'
Protein context (NP_009225.1, residues 762-782): RSVESSSISL[Val772=]PGTDYGTQES